The following is an entry in ClinVar:

NM_004409.5(DMPK):c.*224CTG[377]

Genes: DM1-AS (DM1 locus antisense RNA; plus strand), DMPK (DM1 protein kinase; minus strand), LOC107075317 (origin of replication in DMPK trinucleotide repeat region; plus strand), LOC109461477 (dystrophia myotonica protein kinase repeat instability region; plus strand). Cytogenetic location: 19q13.32.
Variant type: Microsatellite.
Coding change: c.*224CTG[377] on transcript NM_004409.5 (MANE Select); 377 copies in a row of the 3-base unit CTG starting at c.*224.
Molecular consequence: 3 prime UTR variant.
Genome position: GRCh38, VCF-style position (the base before the change): chr19:45,770,204. GRCh37 (hg19), VCF-style position (the base before the change): chr19:46,273,462.
Other names: DM1 CTG repeat expansion; c.*222_*224TGC[377] (NM_001081563.3); c.*224CTG[377] (NM_001424165.1, NM_001081560.3, NM_001288764.2 and 1 more transcripts); c.*217CTG[377] (NM_001424166.1, NM_001081562.3, NM_001288765.2 and 2 more transcripts); c.*369CTG[377] (NM_001288766.2, NM_001424164.1, NM_001424168.1).
Identifiers: ClinVar variation 187973 (VCV000187973.2), ClinGen allele CA915951783.

ClinVar aggregate classification (germline): Pathogenic (0 of 4 stars; one submission).

Conditions:
Steinert myotonic dystrophy syndrome (DM1). Also called: STEINERT DISEASE; Myotonic dystrophy type 1; Dystrophia myotonica type 1; Steinert myotonic dystrophy; Steinert's disease. Identifiers: Orphanet 273, MedGen C3250443, MONDO:0008056, OMIM 160900.

Submission:

Institute of Molecular, Cell and Systems Biology, University of Glasgow
Classification: Pathogenic for Steinert myotonic dystrophy syndrome. Review status: no assertion criteria provided. Criteria: research. Collection method: research. Allele origin: germline. Inheritance: Autosomal dominant inheritance. Affected: yes. Observed: 1 heterozygote.
Comment: DMPK CTG repeat expansions greater than approximately 45-50 repeats are assumed to be pathogenic

This record is based on data published in PubMed 25052313, which reports only ClinVar accessions SCV000120188 and SCV000120189. The complete data set includes SCV000207445 - SCV000207579.

Literature cited by the submitters: PubMed 1346923; PubMed 1546326; PubMed 25052313.